The following is an entry in ClinVar:

ClinVar aggregate classification (germline): Uncertain significance (1 of 4 stars; one submission).

Allele frequency attached by ClinVar (database versions not stated): gnomAD exomes below 0.00001; TOPMed below 0.00001; ExAC 0.00001.
gnomAD v4.1: 3 of 1,611,752 alleles (0.00019%); highest among the groups gnomAD compares: Admixed American, 0.0034%; no homozygotes.

Submission:

Labcorp Genetics (formerly Invitae), Labcorp
Classification: Uncertain significance. Last evaluated: 2023-08-08. Review status: criteria provided, single submitter. Criteria: Invitae Variant Classification Sherloc (09022015). Collection method: clinical testing. Allele origin: germline.
Comment: In summary, the available evidence is currently insufficient to determine the role of this variant in disease. Therefore, it has been classified as a Variant of Uncertain Significance. Advanced modeling of protein sequence and biophysical properties (such as structural, functional, and spatial information, amino acid conservation, physicochemical variation, residue mobility, and thermodynamic stability) performed at Invitae indicates that this missense variant is not expected to disrupt NFKB1 protein function. ClinVar contains an entry for this variant (Variation ID: 2080262). This variant has not been reported in the literature in individuals affected with NFKB1-related conditions. This variant is present in population databases (rs777076983, gnomAD 0.006%). This sequence change replaces isoleucine, which is neutral and non-polar, with valine, which is neutral and non-polar, at codon 322 of the NFKB1 protein (p.Ile322Val).

NM_003998.4(NFKB1):c.964A>G (p.Ile322Val)

Gene: NFKB1 (nuclear factor kappa B subunit 1; plus strand). Cytogenetic location: 4q24.
Variant type: single nucleotide variant.
Coding change: c.964A>G on transcript NM_003998.4 (MANE Select); coding-DNA position 964, A replaced by G.
Protein change: p.Ile322Val; replaces isoleucine 322 with valine.
Molecular consequence: missense variant.
Genome position (GRCh38, 1-based): chr4:102,584,718, A>G. VCF-style: chr4-102584718-A-G. GRCh37 (hg19) VCF-style: chr4-103505875-A-G.
Other names: c.961A>G, p.Ile321Val (NM_001165412.2, NM_001319226.2, NM_001382627.1); c.964A>G, p.Ile322Val (NM_001382625.1, NM_001382626.1); c.922A>G, p.Ile308Val (NM_001382628.1); short protein forms I321V, I322V, I308V.
Identifiers: ClinVar variation 2080262 (VCV002080262.4), dbSNP rs777076983, ClinGen allele CA3026029.